The following is an entry in ClinVar:

NM_001037333.3(CYFIP2):c.3693C>G (p.Asp1231Glu)

Genes: CYFIP2 (cytoplasmic FMR1 interacting protein 2; plus strand), NIPAL4-DT (NIPAL4 divergent transcript; minus strand). Cytogenetic location: 5q33.3.
Variant type: single nucleotide variant.
Coding change: c.3693C>G on transcript NM_001037333.3 (MANE Select); coding-DNA position 3693, C replaced by G.
Protein change: p.Asp1231Glu; replaces aspartic acid 1231 with glutamic acid.
Molecular consequence: missense variant.
Genome position (GRCh38, 1-based): chr5:157,392,931, C>G. VCF-style: chr5-157392931-C-G. GRCh37 (hg19) VCF-style: chr5-156819939-C-G.
Other names: c.3615C>G, p.Asp1205Glu (NM_001291721.2); c.3768C>G, p.Asp1256Glu (NM_001291722.2); c.3693C>G, p.Asp1231Glu (NM_014376.4); short protein forms D1231E, D1205E, D1256E.
Identifiers: ClinVar variation 1460711 (VCV001460711.6), dbSNP rs760318555, ClinGen allele CA3534428.

ClinVar aggregate classification (germline): Uncertain significance (1 of 4 stars; one submission).

Allele frequency attached by ClinVar (database versions not stated): gnomAD exomes below 0.00001; ExAC 0.00001; gnomAD 0.00001; TOPMed 0.00001.
gnomAD v4.1: 6 of 1,613,844 alleles (0.00037%); highest among the groups gnomAD compares: Non-Finnish European, 0.00051%; no homozygotes.

Submission:

Labcorp Genetics (formerly Invitae), Labcorp
Classification: Uncertain significance. Last evaluated: 2024-10-27. Review status: criteria provided, single submitter. Criteria: Invitae Variant Classification Sherloc (09022015). Collection method: clinical testing. Allele origin: germline.
Comment: This sequence change replaces aspartic acid, which is acidic and polar, with glutamic acid, which is acidic and polar, at codon 1231 of the CYFIP2 protein (p.Asp1231Glu). This variant is present in population databases (rs760318555, gnomAD 0.006%). This variant has not been reported in the literature in individuals affected with CYFIP2-related conditions. ClinVar contains an entry for this variant (Variation ID: 1460711). Experimental studies and prediction algorithms are not available or were not evaluated, and the functional significance of this variant is currently unknown. In summary, the available evidence is currently insufficient to determine the role of this variant in disease. Therefore, it has been classified as a Variant of Uncertain Significance.